The following is an entry in ClinVar:

NM_001206979.2(NR1H4):c.32C>T (p.Ser11Phe)

Gene: NR1H4 (nuclear receptor subfamily 1 group H member 4; plus strand). Cytogenetic location: 12q23.1.
Variant type: single nucleotide variant.
Coding change: c.32C>T on transcript NM_001206979.2 (MANE Select); coding-DNA position 32, C replaced by T.
Protein change: p.Ser11Phe; replaces serine 11 with phenylalanine.
Molecular consequence: missense variant. On other transcripts: non-coding transcript variant (1).
Genome position (GRCh38, 1-based): chr12:100,493,355, C>T. VCF-style: chr12-100493355-C-T. GRCh37 (hg19) VCF-style: chr12-100887133-C-T.
Other names: c.32C>T, p.Ser11Phe (NM_001206977.2, NM_001206978.2, NM_005123.4); short protein forms S11F.
Identifiers: ClinVar variation 3357966 (VCV003357966.1).

ClinVar aggregate classification (germline): Uncertain significance (0 of 4 stars; one submission).

Conditions:
NR1H4-related disorder. Also called: NR1H4-related condition.

gnomAD v4.1: 25 of 1,578,752 alleles (0.0016%); highest among the groups gnomAD compares: Admixed American, 0.0034%; no homozygotes.

Submission:

PreventionGenetics, part of Exact Sciences
Classification: Uncertain significance for NR1H4-related condition. Last evaluated: 2024-07-08. Review status: no assertion criteria provided. Collection method: clinical testing. Allele origin: germline.
Comment: The NR1H4 c.32C>T variant is predicted to result in the amino acid substitution p.Ser11Phe. To our knowledge, this variant has not been reported in the literature. This variant is reported in 0.0040% of alleles in individuals of European (Non-Finnish) descent in gnomAD. At this time, the clinical significance of this variant is uncertain due to the absence of conclusive functional and genetic evidence.